The following is an entry in ClinVar:

NM_004370.6(COL12A1):c.6048C>A (p.Ser2016Arg)

Gene: COL12A1 (collagen type XII alpha 1 chain; minus strand). Cytogenetic location: 6q13.
Variant type: single nucleotide variant.
Coding change: c.6048C>A on transcript NM_004370.6 (MANE Select); coding-DNA position 6048, C replaced by A.
Protein change: p.Ser2016Arg; replaces serine 2016 with arginine.
Molecular consequence: missense variant.
Genome position (GRCh38, 1-based): chr6:75,130,871, G>T on the plus strand (C>A on the coding strand, the complement: COL12A1 is on the minus strand). VCF-style: chr6-75130871-G-T. GRCh37 (hg19) VCF-style: chr6-75840587-G-T.
Other names: c.2556C>A, p.Ser852Arg (NM_080645.3); short protein forms S2016R, S852R.
Identifiers: ClinVar variation 1317093 (VCV001317093.2), dbSNP rs369770672, ClinGen allele CA364732312.

ClinVar aggregate classification (germline): Uncertain significance (1 of 4 stars; one submission).

gnomAD v4.1: 1 of 1,614,044 alleles (0.000062%); highest among the groups gnomAD compares: Non-Finnish European, 0.000085%; no homozygotes.

Submission:

GeneDx
Classification: Uncertain significance. Last evaluated: 2019-06-28. Review status: criteria provided, single submitter. Criteria: GeneDx Variant Classification Process June 2021. Collection method: clinical testing. Allele origin: germline. Affected: yes.
Comment: Not observed in large population cohorts (Lek et al., 2016); In silico analysis, which includes protein predictors and evolutionary conservation, supports that this variant does not alter protein structure/function; Has not been previously published as pathogenic or benign to our knowledge